The following is an entry in ClinVar:

ClinVar aggregate classification (germline): Benign/Likely benign. Review status: criteria provided, multiple submitters, no conflicts (2 of 4 stars). 9 submissions from 9 submitters: Benign (6); Likely benign (3). Last evaluated 2026-01-25.

Conditions:
Kidney disorder. Also called: Nephropathy; Kidney disease; Kidney Diseases; renal disease; renal disorder. Identifiers: MedGen C0022658, MONDO:0005240, HP:0000112.
Focal segmental glomerulosclerosis 5 (FSGS5). Identifiers: Orphanet 656, MedGen C2750475, MONDO:0013191, OMIM 613237.
Charcot-Marie-Tooth disease dominant intermediate E. Also called: CHARCOT-MARIE-TOOTH NEUROPATHY WITH FOCAL SEGMENTAL GLOMERULONEPHRITIS. Identifiers: Orphanet 93114, MedGen C4302667, MONDO:0013758, OMIM 614455.
Inborn genetic diseases. Identifiers: MedGen C0950123, MeSH D030342.

Allele frequency attached by ClinVar (database versions not stated): gnomAD exomes 0.00277; ExAC 0.00357; ESP Exome Variant Server 0.00582; gnomAD 0.01021 and 0.01071; TOPMed 0.01256; 1000 Genomes Project 0.01358; 1000 Genomes Project 30x 0.01421.
gnomAD v4.1: 2,998 of 1,090,012 alleles (0.28%); highest among the groups gnomAD compares: African/African-American, 3.9%; 35 homozygotes.

Submissions (9):

Labcorp Genetics (formerly Invitae), Labcorp
Classification: Benign for Charcot-Marie-Tooth disease dominant intermediate E; Focal segmental glomerulosclerosis 5. Last evaluated: 2026-01-25. Review status: criteria provided, single submitter. Criteria: Invitae Variant Classification Sherloc (09022015). Collection method: clinical testing. Allele origin: germline.

Blueprint Genetics
Classification: Likely benign. Last evaluated: 2024-11-27. Review status: criteria provided, single submitter. Criteria: ACMG Guidelines, 2015. Collection method: clinical testing. Allele origin: germline.

ARUP Laboratories, Molecular Genetics and Genomics, ARUP Laboratories
Classification: Benign. Last evaluated: 2024-08-02. Review status: criteria provided, single submitter. Criteria: ARUP Molecular Germline Variant Investigation Process 2024. Collection method: clinical testing. Allele origin: germline.

Mayo Clinic Laboratories, Mayo Clinic
Classification: Benign. Last evaluated: 2024-03-04. Review status: criteria provided, single submitter. Criteria: ACMG Guidelines, 2015. Collection method: clinical testing. Allele origin: germline. Observed: 9 variant alleles.
Comment: BA1, BP4, BP7

Ambry Genetics
Classification: Likely benign for Inborn genetic diseases. Last evaluated: 2019-07-11. Review status: criteria provided, single submitter. Criteria: Ambry Variant Classification Scheme 2023. Collection method: clinical testing. Allele origin: germline.

Illumina Laboratory Services, Illumina
Classification: Benign for Focal segmental glomerulosclerosis 5. Last evaluated: 2018-01-13. Review status: criteria provided, single submitter. Criteria: ICSL Variant Classification Criteria 13 December 2019. Collection method: clinical testing. Allele origin: germline.
Comment: This variant was observed in the ICSL laboratory as part of a predisposition screen in an ostensibly healthy population. It had not been previously curated by ICSL or reported in the Human Gene Mutation Database (HGMD: prior to June 1st, 2018), and was therefore a candidate for classification through an automated scoring system. Utilizing variant allele frequency, disease prevalence and penetrance estimates, and inheritance mode, an automated score was calculated to assess if this variant is too frequent to cause the disease. Based on the score and internal cut-off values, a variant classified as benign is not then subjected to further curation. The score for this variant resulted in a classification of benign for this disease.

Genome Diagnostics Laboratory, The Hospital for Sick Children
Classification: Likely benign for Kidney disorder. Last evaluated: 2016-12-12. Review status: criteria provided, single submitter. Criteria: ACMG Guidelines, 2015. Collection method: clinical testing. Allele origin: germline.

GeneDx
Classification: Benign. Last evaluated: 2016-07-05. Review status: criteria provided, single submitter. Criteria: GeneDx Variant Classification (06012015). Collection method: clinical testing. Allele origin: germline. Affected: yes.
Comment: This variant is considered likely benign or benign based on one or more of the following criteria: it is a conservative change, it occurs at a poorly conserved position in the protein, it is predicted to be benign by multiple in silico algorithms, and/or has population frequency not consistent with disease.

Breakthrough Genomics
Classification: Benign. Review status: criteria provided, single submitter. Criteria: ACMG Guidelines, 2015. Collection method: not provided. Allele origin: germline. Inheritance: Autosomal dominant inheritance. Affected: yes.

NM_022489.4(INF2):c.1452T>C (p.Cys484=)

Gene: INF2 (inverted formin 2; plus strand). Cytogenetic location: 14q32.33.
Variant type: single nucleotide variant.
Coding change: c.1452T>C on transcript NM_022489.4 (MANE Select); coding-DNA position 1452, T replaced by C.
Protein change: p.Cys484=; no amino-acid change (cysteine 484 retained).
Molecular consequence: synonymous variant.
Genome position (GRCh38, 1-based): chr14:104,707,719, T>C. VCF-style: chr14-104707719-T-C. GRCh37 (hg19) VCF-style: chr14-105174056-T-C.
Other names: p.Cys484=; c.1452T>C, p.Cys484= (NM_001031714.4).
Identifiers: ClinVar variation 383168 (VCV000383168.67), dbSNP rs371775604, ClinGen allele CA7372573.